The following is an entry in ClinVar:

NM_013275.6(ANKRD11):c.6901G>C (p.Ala2301Pro)

Gene: ANKRD11 (ankyrin repeat domain containing 11; minus strand). Cytogenetic location: 16q24.3.
Variant type: single nucleotide variant.
Coding change: c.6901G>C on transcript NM_013275.6 (MANE Select); coding-DNA position 6901, G replaced by C.
Protein change: p.Ala2301Pro; replaces alanine 2301 with proline.
Molecular consequence: missense variant.
Genome position (GRCh38, 1-based): chr16:89,279,641, C>G on the plus strand (G>C on the coding strand, the complement: ANKRD11 is on the minus strand). VCF-style: chr16-89279641-C-G. GRCh37 (hg19) VCF-style: chr16-89346049-C-G.
Other names: c.6901G>C, p.Ala2301Pro (NM_001256182.2, NM_001256183.2); short protein forms A2301P.
Identifiers: ClinVar variation 1314345 (VCV001314345.2), dbSNP rs2033992747, ClinGen allele CA397149748.

ClinVar aggregate classification (germline): Uncertain significance (1 of 4 stars; one submission).

Allele frequency attached by ClinVar (database versions not stated): TOPMed below 0.00001.

Submission:

GeneDx
Classification: Uncertain significance. Last evaluated: 2021-03-31. Review status: criteria provided, single submitter. Criteria: GeneDx Variant Classification Process June 2021. Collection method: clinical testing. Allele origin: germline. Affected: yes.
Comment: Has not been previously published as pathogenic or benign to our knowledge; Not observed in large population cohorts (Lek et al., 2016); In-silico analysis, which includes splice predictors and evolutionary conservation, is inconclusive as to whether the variant alters gene splicing. In the absence of RNA/functional studies, the actual effect of this sequence change is unknown.; In silico analysis supports that this missense variant does not alter protein structure/function